The following is an entry in ClinVar:

NM_145207.3(AFG2A):c.661C>T (p.Gln221Ter)

Gene: AFG2A (AAA ATPase AFG2A; plus strand). Cytogenetic location: 4q28.1.
Variant type: single nucleotide variant.
Coding change: c.661C>T on transcript NM_145207.3 (MANE Select); coding-DNA position 661, C replaced by T.
Protein change: p.Gln221Ter; replaces glutamine 221 with a stop codon.
Molecular consequence: nonsense.
Genome position (GRCh38, 1-based): chr4:122,934,252, C>T. VCF-style: chr4-122934252-C-T. GRCh37 (hg19) VCF-style: chr4-123855407-C-T.
Other names: c.658C>T, p.Gln220Ter (NM_001317799.2, NM_001345856.2); short protein forms Q221*, Q220*.
Identifiers: ClinVar variation 542389 (VCV000542389.5), dbSNP rs1553955672, ClinGen allele CA358101770.

ClinVar aggregate classification (germline): Pathogenic (1 of 4 stars; one submission).

Conditions:
Microcephaly-intellectual disability-sensorineural hearing loss-epilepsy-abnormal muscle tone syndrome (NEDHSB). Also called: NEURODEVELOPMENTAL DISORDER WITH HEARING LOSS, SEIZURES, AND BRAIN ABNORMALITIES. Identifiers: Orphanet 457351, MedGen C4225276, MONDO:0014698, OMIM 616577.

Submission:

Labcorp Genetics (formerly Invitae), Labcorp
Classification: Pathogenic for Microcephaly-intellectual disability-sensorineural hearing loss-epilepsy-abnormal muscle tone syndrome. Last evaluated: 2017-11-28. Review status: criteria provided, single submitter. Criteria: Invitae Variant Classification Sherloc (09022015). Collection method: clinical testing. Allele origin: germline.
Comment: This variant has not been reported in the literature in individuals with SPATA5-related disease. For these reasons, this variant has been classified as Pathogenic. Loss-of-function variants in SPATA5 are known to be pathogenic (PMID: 26299366). This variant is not present in population databases (ExAC no frequency). This sequence change creates a premature translational stop signal (p.Gln221*) in the SPATA5 gene. It is expected to result in an absent or disrupted protein product.

Literature cited by the submitters: PubMed 26299366.